The following is an entry in ClinVar:

ClinVar aggregate classification (germline): Pathogenic (1 of 4 stars; one submission).

Submission:

Labcorp Genetics (formerly Invitae), Labcorp
Classification: Pathogenic. Last evaluated: 2022-06-26. Review status: criteria provided, single submitter. Criteria: Invitae Variant Classification Sherloc (09022015). Collection method: clinical testing. Allele origin: germline.
Comment: This sequence change creates a premature translational stop signal (p.Gln845Serfs*40) in the CHD8 gene. It is expected to result in an absent or disrupted protein product. Loss-of-function variants in CHD8 are known to be pathogenic (PMID: 24998929, 26789910). This variant is not present in population databases (gnomAD no frequency). This variant has not been reported in the literature in individuals affected with CHD8-related conditions. For these reasons, this variant has been classified as Pathogenic.

Literature cited by the submitters: PubMed 24998929; PubMed 26789910.

NM_001170629.2(CHD8):c.2532del (p.Gln845fs)

Gene: CHD8 (chromodomain helicase DNA binding protein 8; minus strand). Cytogenetic location: 14q11.2.
Variant type: Deletion.
Coding change: c.2532del on transcript NM_001170629.2 (MANE Select); coding-DNA position 2532, one base deleted (T; older notation c.2532delT).
Protein change: p.Gln845fs; shifts the reading frame from glutamine 845.
Molecular consequence: frameshift variant.
Genome position (GRCh38, 1-based): chr14:21,408,510, A deleted on the plus strand (T on the coding strand, the reverse complement: CHD8 is on the minus strand); the first of 2 consecutive A bases (chr14:21,408,510-21,408,511); deleting either gives the same sequence. VCF-style (leftmost placement, unchanged base first): chr14-21408509-GA-G. GRCh37 (hg19) VCF-style: chr14-21876668-GA-G.
Other names: c.1695del, p.Gln566fs (NM_020920.4); short protein forms Q566fs, Q845fs.
Identifiers: ClinVar variation 2011071 (VCV002011071.4), dbSNP rs2501923833, ClinGen allele CA2580087846.